The following is an entry in ClinVar:

ClinVar aggregate classification (germline): Uncertain significance (1 of 4 stars; one submission).

Allele frequency attached by ClinVar (database versions not stated): TOPMed below 0.00001; gnomAD 0.00001.
gnomAD v4.1: 1 of 1,613,928 alleles (0.000062%); highest among the groups gnomAD compares: Non-Finnish European, 0.000085%; no homozygotes.

Submission:

Labcorp Genetics (formerly Invitae), Labcorp
Classification: Uncertain significance. Last evaluated: 2023-01-26. Review status: criteria provided, single submitter. Criteria: Invitae Variant Classification Sherloc (09022015). Collection method: clinical testing. Allele origin: germline.
Comment: This sequence change replaces glycine, which is neutral and non-polar, with glutamic acid, which is acidic and polar, at codon 490 of the ALPK3 protein (p.Gly490Glu). This variant is not present in population databases (gnomAD no frequency). This variant has not been reported in the literature in individuals affected with ALPK3-related conditions. ClinVar contains an entry for this variant (Variation ID: 1345692). Advanced modeling of protein sequence and biophysical properties (such as structural, functional, and spatial information, amino acid conservation, physicochemical variation, residue mobility, and thermodynamic stability) performed at Invitae indicates that this missense variant is not expected to disrupt ALPK3 protein function. In summary, the available evidence is currently insufficient to determine the role of this variant in disease. Therefore, it has been classified as a Variant of Uncertain Significance.

NM_020778.5(ALPK3):c.863G>A (p.Gly288Glu)

Gene: ALPK3 (alpha kinase 3; plus strand). Cytogenetic location: 15q25.3.
Variant type: single nucleotide variant.
Coding change: c.863G>A on transcript NM_020778.5 (MANE Select); coding-DNA position 863, G replaced by A.
Protein change: p.Gly288Glu; replaces glycine 288 with glutamic acid.
Molecular consequence: missense variant.
Genome position (GRCh38, 1-based): chr15:84,840,142, G>A. VCF-style: chr15-84840142-G-A. GRCh37 (hg19) VCF-style: chr15-85383373-G-A.
Other names: short protein forms G288E.
Identifiers: ClinVar variation 1345692 (VCV001345692.6), dbSNP rs142197641, ClinGen allele CA273665637.